The following is an entry in ClinVar:

ClinVar aggregate classification (germline): Likely benign. Review status: criteria provided, single submitter (1 of 4 stars). 2 submissions from 2 submitters: Likely benign (1). 1 of the submissions does not count toward it. Last evaluated 2025-08-05.

Conditions:
DOCK2-related disorder. Also called: DOCK2-related condition.
DOCK2 deficiency. Also called: Immunodeficiency 40. Identifiers: Orphanet 447737, MedGen C4225328, MONDO:0014637, OMIM 616433.

Allele frequency attached by ClinVar (database versions not stated): TOPMed 0.00002; gnomAD 0.00003; gnomAD exomes 0.00011 and 0.00021; 1000 Genomes Project 30x 0.00016; 1000 Genomes Project 0.00020; ExAC 0.00028.
gnomAD v4.1: 163 of 1,611,536 alleles (0.01%); highest among the groups gnomAD compares: South Asian, 0.18%; 1 homozygote.

Submissions (2):

Labcorp Genetics (formerly Invitae), Labcorp
Classification: Likely benign for DOCK2 deficiency. Last evaluated: 2025-08-05. Review status: criteria provided, single submitter. Criteria: Invitae Variant Classification Sherloc (09022015). Collection method: clinical testing. Allele origin: germline.

PreventionGenetics, part of Exact Sciences
Classification: Likely benign for DOCK2-related condition. Last evaluated: 2019-04-08. Review status: no assertion criteria provided. Collection method: clinical testing. Allele origin: germline. Not counted in ClinVar's aggregate classification.
Comment: This variant is classified as likely benign based on ACMG/AMP sequence variant interpretation guidelines (Richards et al. 2015 PMID: 25741868, with internal and published modifications).

NM_004946.3(DOCK2):c.3756+9A>T

Gene: DOCK2 (dedicator of cytokinesis 2; plus strand). Cytogenetic location: 5q35.1.
Variant type: single nucleotide variant.
Coding change: c.3756+9A>T on transcript NM_004946.3 (MANE Select); 9 bases into the intron after coding-DNA position 3756, A replaced by T.
Molecular consequence: intron variant.
Genome position (GRCh38, 1-based): chr5:170,041,154, A>T. VCF-style: chr5-170041154-A-T. GRCh37 (hg19) VCF-style: chr5-169468158-A-T.
Other names: c.3756+9A>T (NM_004946.2).
Identifiers: ClinVar variation 1110838 (VCV001110838.11), dbSNP rs570358398, ClinGen allele CA3554316.